The following is an entry in ClinVar:

NM_032590.5(KDM2B):c.506A>G (p.Lys169Arg)

Gene: KDM2B (lysine demethylase 2B; minus strand). Cytogenetic location: 12q24.31.
Variant type: single nucleotide variant.
Coding change: c.506A>G on transcript NM_032590.5 (MANE Select); coding-DNA position 506, A replaced by G.
Protein change: p.Lys169Arg; replaces lysine 169 with arginine.
Molecular consequence: missense variant.
Genome position (GRCh38, 1-based): chr12:121,549,530, T>C on the plus strand (A>G on the coding strand, the complement: KDM2B is on the minus strand). VCF-style: chr12-121549530-T-C. GRCh37 (hg19) VCF-style: chr12-121987435-T-C.
Other names: c.413A>G, p.Lys138Arg (NM_001005366.2, NM_001439020.1, NM_001439025.1 and 1 more transcripts); c.602A>G, p.Lys201Arg (NM_001439014.1, NM_001439015.1); c.506A>G, p.Lys169Arg (NM_001439016.1, NM_001439017.1, NM_001439018.1); c.395A>G, p.Lys132Arg (NM_001439021.1, NM_001439028.1); c.443A>G, p.Lys148Arg (NM_001439022.1, NM_001439023.1, NM_001439029.1); short protein forms K132R, K138R, K148R, K169R, K201R.
Identifiers: ClinVar variation 4975339 (VCV004975339.2).

ClinVar aggregate classification (germline): Uncertain significance. Review status: criteria provided, multiple submitters, no conflicts (2 of 4 stars). 2 submissions from 2 submitters: Uncertain significance (2). Last evaluated 2026-02-06.

Conditions:
KDM2B-related disorder. Also called: KDM2B-related condition.

Submissions (2):

GeneDx
Classification: Uncertain significance. Last evaluated: 2026-02-06. Review status: criteria provided, single submitter. Criteria: GeneDx Variant Classification Process June 2021. Collection method: clinical testing. Allele origin: germline.
Comment: Not observed at significant frequency in large population cohorts (gnomAD); In silico analysis suggests that this missense variant does not alter protein structure/function; Has not been previously published as pathogenic or benign to our knowledge

PreventionGenetics, part of Exact Sciences
Classification: Uncertain significance for KDM2B-related condition. Last evaluated: 2025-06-04. Review status: criteria provided, single submitter. Criteria: ACMG Guidelines, 2015. Collection method: clinical testing. Allele origin: germline.
Comment: The KDM2B c.506A>G variant is predicted to result in the amino acid substitution p.Lys169Arg. To our knowledge, this variant has not been reported in the literature or in a large population database (gnomAD), indicating this variant is rare. At this time, the clinical significance of this variant is uncertain due to the absence of conclusive functional and genetic evidence.